The following is an entry in ClinVar:

ClinVar aggregate classification (germline): Uncertain significance (1 of 4 stars; one submission).

gnomAD v4.1: 2 of 1,590,000 alleles (0.00013%); highest among the groups gnomAD compares: Non-Finnish European, 0.00017%; no homozygotes.

Submission:

GeneDx
Classification: Uncertain significance. Last evaluated: 2026-10-16. Review status: criteria provided, single submitter. Criteria: GeneDx Variant Classification Process June 2021. Collection method: clinical testing. Allele origin: germline.
Comment: Not observed at significant frequency in large population cohorts (gnomAD); In silico analysis supports that this missense variant has a deleterious effect on protein structure/function; Has not been previously published as pathogenic or benign to our knowledge

NM_030632.3(ASXL3):c.6731G>A (p.Cys2244Tyr)

Gene: ASXL3 (ASXL transcriptional regulator 3; plus strand). Cytogenetic location: 18q12.1.
Variant type: single nucleotide variant.
Coding change: c.6731G>A on transcript NM_030632.3 (MANE Select); coding-DNA position 6731, G replaced by A.
Protein change: p.Cys2244Tyr; replaces cysteine 2244 with tyrosine.
Molecular consequence: missense variant.
Genome position (GRCh38, 1-based): chr18:33,746,579, G>A. VCF-style: chr18-33746579-G-A. GRCh37 (hg19) VCF-style: chr18-31326543-G-A.
Other names: short protein forms C2244Y.
Identifiers: ClinVar variation 3573489 (VCV003573489.2).